The following is an entry in ClinVar:

ClinVar aggregate classification (germline): Likely benign. Review status: criteria provided, multiple submitters, no conflicts (2 of 4 stars). 2 submissions from 2 submitters: Likely benign (2). Last evaluated 2025-07-01.

gnomAD v4.1: 163 of 1,613,536 alleles (0.01%); highest among the groups gnomAD compares: Middle Eastern, 0.017%; no homozygotes.

Submissions (2):

CeGaT Center for Human Genetics Tuebingen
Classification: Likely benign. Last evaluated: 2025-07-01. Review status: criteria provided, single submitter. Criteria: CeGaT Center For Human Genetics Tuebingen Variant Classification Criteria Version 2. Collection method: clinical testing. Allele origin: germline. Affected: yes. Observed: 1 variant allele.
Comment: CLCN2: BP4, BP7

Blueprint Genetics
Classification: Likely benign. Last evaluated: 2024-10-15. Review status: criteria provided, single submitter. Criteria: ACMG Guidelines, 2015. Collection method: clinical testing. Allele origin: germline.

NM_004366.6(CLCN2):c.2280G>A (p.Ala760=)

Gene: CLCN2 (chloride voltage-gated channel 2; minus strand). Cytogenetic location: 3q27.1.
Variant type: single nucleotide variant.
Coding change: c.2280G>A on transcript NM_004366.6 (MANE Select); coding-DNA position 2280, G replaced by A.
Protein change: p.Ala760=; no amino-acid change (alanine 760 retained).
Molecular consequence: synonymous variant.
Genome position (GRCh38, 1-based): chr3:184,352,323, C>T on the plus strand (G>A on the coding strand, the complement: CLCN2 is on the minus strand). VCF-style: chr3-184352323-C-T. GRCh37 (hg19) VCF-style: chr3-184070111-C-T.
Other names: c.2229G>A, p.Ala743= (NM_001171087.3); c.2148G>A, p.Ala716= (NM_001171088.3); c.2280G>A, p.Ala760= (NM_001171089.3).
Identifiers: ClinVar variation 4083967 (VCV004083967.9).
Genomic context (GRCh38, chr3:184,352,323, plus strand): 5'-AACAGGGTCCAGAGTCCAGTGGCACCTTACCTCTTCAGGGCTCATCTCGCCTTCCAGGTC[C>T]GCGTCACTCTAGTAGAGAGGGAGGGAGGCTGGCAGCTAGGGGCTCTGGAGTTTATCCAGC-3'
Protein context (NP_004357.3, residues 750-770): KRVRISLASD[Ala760=]DLEGEMSPEE